The following is an entry in ClinVar:

ClinVar aggregate classification (germline): Conflicting classifications of pathogenicity. Review status: criteria provided, conflicting classifications (1 of 4 stars). 15 submissions from 15 submitters: Pathogenic (4); Likely pathogenic (7); Uncertain significance (1). 3 of the submissions do not count toward it. Last evaluated 2026-05-06.

Conditions:
CLRN1-related disorder. Also called: CLRN1-related condition.
Usher syndrome type 3A (USH3A). Also called: USHER SYNDROME, TYPE IIIA. Identifiers: MedGen C5779850, MONDO:0010170, OMIM 276902.
Retinitis pigmentosa 61 (RP61). Identifiers: Orphanet 791, MedGen C3280041, MONDO:0013610, OMIM 614180.
Usher syndrome. Also called: Usher's syndrome; Usher Syndromes. Identifiers: Orphanet 886, MedGen CN469326, MeSH D052245, MONDO:0019501. Disease mechanism: loss of function.
Usher syndrome type 3. Also called: Usher Syndrome, Type III. Identifiers: Orphanet 231183, MedGen C1568248, MONDO:0016485.

Allele frequency attached by ClinVar (database versions not stated): ExAC 0.00003; TOPMed 0.00003; gnomAD 0.00004; gnomAD exomes 0.00017.
gnomAD v4.1: 243 of 1,614,146 alleles (0.015%); highest among the groups gnomAD compares: Non-Finnish European, 0.02%; no homozygotes.

Submissions (15):

PreventionGenetics, part of Exact Sciences
Classification: Likely pathogenic for CLRN1-related condition. Last evaluated: 2026-05-06. Review status: criteria provided, single submitter. Criteria: ACMG Guidelines, 2015. Collection method: clinical testing. Allele origin: germline.
Comment: The CLRN1 c.118T>G variant is predicted to result in the amino acid substitution p.Cys40Gly. This variant has been reported in the homozygous and compound heterozygous states in multiple patients with Usher syndrome or retinitis pigmentosa (Aller et al. 2004. PubMed ID: 15521980; Guimaraes et al. 2023. PubMed ID: 36162969; Whelan et al. 2020. PubMed ID: 31963381; Table S1, Weisschuh et al. 2024. PubMed ID: 37734845; Table S4, Haer-Wigman et al. 2017. PubMed ID: 28224992). A functional study that injected AAV2 vectors with the variant into the eyes of mice showed that the expression of mutant proteins led to dramatic loss in both retinal function and photoreceptors (Bolch et al. 2018. ARVO Meeting Abstract). This variant is reported in 0.016% of alleles in individuals of European (non-Finnish) descent in gnomAD and has been interpreted as likely pathogenic and pathogenic by multiple laboratories in ClinVar (Variation ID: 4399). This variant is interpreted as likely pathogenic.

Labcorp Genetics (formerly Invitae), Labcorp
Classification: Pathogenic. Last evaluated: 2026-01-09. Review status: criteria provided, single submitter. Criteria: Invitae Variant Classification Sherloc (09022015). Collection method: clinical testing. Allele origin: germline.
Comment: This sequence change replaces cysteine, which is neutral and slightly polar, with glycine, which is neutral and non-polar, at codon 40 of the CLRN1 protein (p.Cys40Gly). This variant is present in population databases (rs121908143, gnomAD 0.01%). This missense change has been observed in individual(s) with Usher syndrome (PMID: 15521980; internal data). ClinVar contains an entry for this variant (Variation ID: 4399). An algorithm developed to predict the effect of missense changes on protein structure and function (PolyPhen-2) suggests that this variant is likely to be disruptive. For these reasons, this variant has been classified as Pathogenic.

Women's Health and Genetics/Laboratory Corporation of America, LabCorp
Classification: Pathogenic for Usher syndrome. Last evaluated: 2025-12-26. Review status: criteria provided, single submitter. Criteria: LabCorp Variant Classification Summary - May 2015. Collection method: clinical testing. Allele origin: germline.
Comment: Variant summary: CLRN1 c.118T>G (p.Cys40Gly) results in a non-conservative amino acid change in the encoded protein sequence. Algorithms developed to predict the effect of missense changes on protein structure and function are either unavailable or do not agree on the potential impact of this missense change. The variant allele was found at a frequency of 8e-05 in 251462 control chromosomes. This frequency is not significantly higher than estimated for disease-causing variants in CLRN1, allowing no conclusion about variant significance. in CLRN1 causing Usher Syndrome (8e-05 vs 0.0014), allowing no conclusion about variant significance. c.118T>G has been reported in the literature as biallelic homozygous or compound heterozygous genotypes in individuals affected with features of Usher Syndrome type 3 and as a heterozygous genotype in one case report with Unilateral retinitis pigmentosa (RP) (example, Aller_2004, Haer-Wigman_2017, Yong Sim_2018, Whelan_2020, Jiman_2020, internal testing). These data indicate that the variant is very likely to be associated with disease. To our knowledge, no experimental evidence demonstrating an impact on protein function has been reported. The following publications have been ascertained in the context of this evaluation (PMID: 15521980, 28224992, 19753315, 31836858, 35481838, 31963381, 29545425). ClinVar contains an entry for this variant (Variation ID: 4399). Based on the evidence outlined above, the variant was classified as pathogenic.

Natera, Inc.
Classification: Likely pathogenic for Usher syndrome type 3. Last evaluated: 2025-12-04. Review status: criteria provided, single submitter. Criteria: Natera Variant Classification Schema (03/2026). Collection method: clinical testing. Allele origin: germline.
Comment: The c.118T>G variant in CLRN1 is a missense variant predicted to cause substitution of cysteine to glycine at amino acid 40. This variant is rare in the general population with a frequency below the threshold expected for the associated phenotype(s). This variant has been observed in one or more individuals affected with the associated recessive disease, as either homozygous or compound heterozygous with a second variant (PMID: 15521980, 28224992, 33749171, 38219857, 37734845). Computational prediction algorithms indicate this variant is likely to affect gene or protein function. Given the available evidence, this variant is classified as Likely Pathogenic.

Baylor Genetics
Classification: Likely pathogenic for Retinitis pigmentosa 61. Last evaluated: 2024-03-26. Review status: criteria provided, single submitter. Criteria: ACMG Guidelines, 2015. Collection method: clinical testing. Allele origin: unknown.

Fulgent Genetics
Classification: Likely pathogenic for Usher syndrome type 3A; Retinitis pigmentosa 61. Last evaluated: 2024-03-26. Review status: criteria provided, single submitter. Criteria: ACMG Guidelines, 2015. Collection method: clinical testing. Allele origin: germline.

Revvity Omics, Revvity
Classification: Likely pathogenic. Last evaluated: 2024-02-13. Review status: criteria provided, single submitter. Criteria: ACMG Guidelines, 2015. Collection method: clinical testing. Allele origin: germline.

Blueprint Genetics
Classification: Pathogenic for CLRN1-related disorders. Last evaluated: 2023-12-21. Review status: criteria provided, single submitter. Criteria: ACMG Guidelines, 2015. Collection method: clinical testing. Allele origin: germline. Affected: yes. Observed: 4 variant alleles.

GeneDx
Classification: Likely pathogenic. Last evaluated: 2022-12-07. Review status: criteria provided, single submitter. Criteria: GeneDx Variant Classification Process June 2021. Collection method: clinical testing. Allele origin: germline. Affected: yes.
Comment: In silico analysis supports that this missense variant has a deleterious effect on protein structure/function; This variant is associated with the following publications: (PMID: 25743179, 23304067, 21310491, 15521980, 19753315, 29545425, 31963381, 29331482)

Institute of Medical Genetics and Applied Genomics, University Hospital Tübingen
Classification: Likely pathogenic. Last evaluated: 2021-09-15. Review status: criteria provided, single submitter. Criteria: ACMG Guidelines, 2015. Collection method: clinical testing. Allele origin: germline. Inheritance: Autosomal recessive inheritance. Affected: yes.

Centre for Genomic Medicine, Manchester, Central Manchester University Hospitals
Classification: Pathogenic for Usher syndrome type 3A. Last evaluated: 2019-02-01. Review status: criteria provided, single submitter. Criteria: ACMG Guidelines, 2015. Collection method: clinical testing. Allele origin: germline. Affected: yes. Observed: 1 variant allele, 1 compound heterozygote.

Eurofins Ntd Llc (ga)
Classification: Uncertain significance. Last evaluated: 2015-12-11. Review status: criteria provided, single submitter. Criteria: EGL Classification Definitions 2015. Collection method: clinical testing. Allele origin: germline. Observed: 1 variant allele, 1 heterozygote.

Joint Genome Diagnostic Labs from Nijmegen and Maastricht, Radboudumc and MUMC+
Classification: Likely pathogenic for Usher syndrome type 3A. Last evaluated: 2019-09-09. Review status: no assertion criteria provided. Collection method: clinical testing. Allele origin: inherited. Inheritance: Autosomal recessive inheritance. Affected: yes. Observed: 1 variant allele. Not counted in ClinVar's aggregate classification.

Counsyl
Classification: Uncertain significance for Usher syndrome type 3A. Last evaluated: 2017-04-19. Review status: no assertion criteria provided. Collection method: clinical testing. Allele origin: unknown. Not counted in ClinVar's aggregate classification.

OMIM
Classification: Pathogenic for USHER SYNDROME, TYPE IIIA. Last evaluated: 2004-12-01. Review status: no assertion criteria provided. Collection method: literature only. Allele origin: germline. Not counted in ClinVar's aggregate classification.

Literature cited by the submitters: PubMed 15521980 (cited by 6 submitters); PubMed 28224992 (cited by Women's Health and Genetics/Laboratory Corporation of America, LabCorp and Natera, Inc.); PubMed 19753315 (cited by Women's Health and Genetics/Laboratory Corporation of America, LabCorp); PubMed 31836858 (cited by Women's Health and Genetics/Laboratory Corporation of America, LabCorp); PubMed 35481838 (cited by Women's Health and Genetics/Laboratory Corporation of America, LabCorp); PubMed 31963381 (cited by Women's Health and Genetics/Laboratory Corporation of America, LabCorp); PubMed 29545425 (cited by Women's Health and Genetics/Laboratory Corporation of America, LabCorp); PubMed 33749171 (cited by Natera, Inc.); PubMed 38219857 (cited by Natera, Inc.); PubMed 37734845 (cited by Natera, Inc.).

NM_174878.3(CLRN1):c.118T>G (p.Cys40Gly)

Gene: CLRN1 (clarin 1; minus strand). Cytogenetic location: 3q25.1.
Variant type: single nucleotide variant.
Coding change: c.118T>G on transcript NM_174878.3 (MANE Select); coding-DNA position 118, T replaced by G.
Protein change: p.Cys40Gly; replaces cysteine 40 with glycine.
Molecular consequence: missense variant. On other transcripts: non-coding transcript variant (1).
Genome position (GRCh38, 1-based): chr3:150,972,591, A>C on the plus strand (T>G on the coding strand, the complement: CLRN1 is on the minus strand). VCF-style: chr3-150972591-A-C. GRCh37 (hg19) VCF-style: chr3-150690378-A-C.
Other names: c.118T>G, p.Cys40Gly (NM_001195794.1, NM_001256819.2); short protein forms C40G.
Identifiers: ClinVar variation 4399 (VCV000004399.30), dbSNP rs121908143, ClinGen allele CA116839.
Genomic context (GRCh38, chr3:150,972,591, plus strand): 5'-CACCCATAAACTTGTCCAGCTCCTGCCCTGAGGCATTGACGAGCAGAGCTCCCGTTTTGC[A>C]GAGGACAGTGGCTTTGATCCACAACGGTGTCCCCAAGGCTGTCACAACTCCGAGGGCACA-3'
Protein context (NP_777367.1, residues 30-50): TPLWIKATVL[Cys40Gly]KTGALLVNAS